The following is an entry in ClinVar:

NM_032043.3(BRIP1):c.3379G>C (p.Asp1127His)

Gene: BRIP1 (BRCA1 interacting DNA helicase 1; minus strand). Cytogenetic location: 17q23.2.
Variant type: single nucleotide variant.
Coding change: c.3379G>C on transcript NM_032043.3 (MANE Select); coding-DNA position 3379, G replaced by C.
Protein change: p.Asp1127His; replaces aspartic acid 1127 with histidine.
Molecular consequence: missense variant.
Genome position (GRCh38, 1-based): chr17:61,683,667, C>G on the plus strand (G>C on the coding strand, the complement: BRIP1 is on the minus strand). VCF-style: chr17-61683667-C-G. GRCh37 (hg19) VCF-style: chr17-59761028-C-G.
Other names: short protein forms D1127H.
Identifiers: ClinVar variation 1497417 (VCV001497417.7), dbSNP rs2144078261, ClinGen allele CA400478858.

ClinVar aggregate classification (germline): Uncertain significance (1 of 4 stars; one submission).

Conditions:
Fanconi anemia complementation group J. Also called: BRIP1-Related Fanconi Anemia. Identifiers: Orphanet 84, MedGen C1836860, MONDO:0012187, OMIM 609054.
Familial cancer of breast. Also called: hereditary breast carcinoma; Hereditary breast cancer; BREAST CANCER, FAMILIAL. Identifiers: Orphanet 227535, MedGen C0346153, MONDO:0016419, OMIM 114480. Disease mechanism: loss of function.

Submission:

Labcorp Genetics (formerly Invitae), Labcorp
Classification: Uncertain significance for Familial cancer of breast; Fanconi anemia complementation group J. Last evaluated: 2021-10-16. Review status: criteria provided, single submitter. Criteria: Invitae Variant Classification Sherloc (09022015). Collection method: clinical testing. Allele origin: germline.
Comment: This sequence change replaces aspartic acid with histidine at codon 1127 of the BRIP1 protein (p.Asp1127His). The aspartic acid residue is moderately conserved and there is a moderate physicochemical difference between aspartic acid and histidine. This variant is not present in population databases (ExAC no frequency). This variant has not been reported in the literature in individuals affected with BRIP1-related conditions. Algorithms developed to predict the effect of missense changes on protein structure and function are either unavailable or do not agree on the potential impact of this missense change (SIFT: "Deleterious"; PolyPhen-2: "Probably Damaging"; Align-GVGD: "Class C0"). In summary, the available evidence is currently insufficient to determine the role of this variant in disease. Therefore, it has been classified as a Variant of Uncertain Significance.